The following is an entry in ClinVar:

NM_005655.4(KLF10):c.386A>T (p.His129Leu)

Gene: KLF10 (KLF transcription factor 10; minus strand). Cytogenetic location: 8q22.3.
Variant type: single nucleotide variant.
Coding change: c.386A>T on transcript NM_005655.4 (MANE Select); coding-DNA position 386, A replaced by T.
Protein change: p.His129Leu; replaces histidine 129 with leucine.
Molecular consequence: missense variant.
Genome position (GRCh38, 1-based): chr8:102,651,946, T>A on the plus strand (A>T on the coding strand, the complement: KLF10 is on the minus strand). VCF-style: chr8-102651946-T-A. GRCh37 (hg19) VCF-style: chr8-103664174-T-A.
Other names: c.353A>T, p.His118Leu (NM_001032282.4); short protein forms H129L, H118L.
Identifiers: ClinVar variation 1412518 (VCV001412518.6), dbSNP rs141642441, ClinGen allele CA4833617.
Genomic context (GRCh38, chr8:102,651,946, plus strand): 5'-TTGGGGAGTTTGGGGGCAGATACTGGGCTCTTTTCTTCCTCTTTGAAAGGTGCGGCAATG[T>A]GAGGTTTGGCAGTATCTGAGAGTGACTTGAAGTGTACAGTAGATGGCGCTGGTGCCATCA-3'
Protein context (NP_005646.1, residues 119-139): FKSLSDTAKP[His129Leu]IAAPFKEEEK

ClinVar aggregate classification (germline): Uncertain significance (1 of 4 stars; one submission).

Allele frequency attached by ClinVar (database versions not stated): gnomAD exomes 0.00005 and 0.00007; gnomAD 0.00007 and 0.00006; ExAC 0.00005; TOPMed 0.00006; ESP Exome Variant Server 0.00015.
gnomAD v4.1: 90 of 1,613,890 alleles (0.0056%); highest among the groups gnomAD compares: Non-Finnish European, 0.0066%; no homozygotes.

Submission:

Labcorp Genetics (formerly Invitae), Labcorp
Classification: Uncertain significance. Last evaluated: 2026-01-06. Review status: criteria provided, single submitter. Criteria: Invitae Variant Classification Sherloc (09022015). Collection method: clinical testing. Allele origin: germline.
Comment: This sequence change replaces histidine, which is basic and polar, with leucine, which is neutral and non-polar, at codon 129 of the KLF10 protein (p.His129Leu). This variant is present in population databases (rs141642441, gnomAD 0.03%). This variant has not been reported in the literature in individuals affected with KLF10-related conditions. ClinVar contains an entry for this variant (Variation ID: 1412518). An algorithm developed to predict the effect of missense changes on protein structure and function outputs the following: PolyPhen-2: "Benign". The leucine amino acid residue is found in multiple mammalian species, which suggests that this missense change does not adversely affect protein function. In summary, the available evidence is currently insufficient to determine the role of this variant in disease. Therefore, it has been classified as a Variant of Uncertain Significance.